The following is an entry in ClinVar:

NM_002049.4(GATA1):c.220+2dup

Gene: GATA1 (GATA binding protein 1; plus strand). Cytogenetic location: Xp11.23.
Variant type: Duplication.
Coding change: c.220+2dup on transcript NM_002049.4 (MANE Select); the canonical splice donor site of the intron after coding-DNA position 220, one base duplicated (T; older notation c.220+2dupT).
Molecular consequence: splice donor variant.
Genome position (GRCh38, 1-based): chrX:48,791,331, T duplicated. VCF-style (leftmost placement, unchanged base first): chrX-48791330-G-GT. GRCh37 (hg19) VCF-style: chrX-48649737-G-GT.
Identifiers: ClinVar variation 3754956 (VCV003754956.2).

ClinVar aggregate classification (germline): Uncertain significance (1 of 4 stars; one submission).

Conditions:
GATA binding protein 1 related thrombocytopenia with dyserythropoiesis. Also called: GATA1-Related X-Linked Cytopenia; GATA1-Related Cytopenia. Identifiers: MedGen C1845837, MONDO:0100089.
Diamond-Blackfan anemia. Also called: Blackfan Diamond syndrome; Aregenerative anemia chronic congenital; Red cell aplasia, pure hereditary; Congenital hypoplastic anemia; Aase syndrome. Identifiers: Orphanet 124, MedGen C1260899, MeSH D029503, MONDO:0015253, HP:0004810.

Submission:

Labcorp Genetics (formerly Invitae), Labcorp
Classification: Uncertain significance for GATA binding protein 1 related thrombocytopenia with dyserythropoiesis; Diamond-Blackfan anemia. Last evaluated: 2025-09-03. Review status: criteria provided, single submitter. Criteria: Invitae Variant Classification Sherloc (09022015). Collection method: clinical testing. Allele origin: germline.
Comment: This sequence change falls in intron 2 of the GATA1 gene. It does not directly change the encoded amino acid sequence of the GATA1 protein. It affects a nucleotide within the consensus splice site. This variant is not present in population databases (gnomAD no frequency). This variant has not been reported in the literature in individuals affected with GATA1-related conditions. ClinVar contains an entry for this variant (Variation ID: 3754956). Variants that disrupt the consensus splice site are a relatively common cause of aberrant splicing (PMID: 17576681, 9536098). Algorithms developed to predict the effect of sequence changes on RNA splicing suggest that this variant may disrupt the consensus splice site. In summary, the available evidence is currently insufficient to determine the role of this variant in disease. Therefore, it has been classified as a Variant of Uncertain Significance.

Literature cited by the submitters: PubMed 17576681; PubMed 9536098.